The following is an entry in ClinVar:

NM_002691.4(POLD1):c.118C>G (p.Leu40Val)

Gene: POLD1 (DNA polymerase delta 1, catalytic subunit; plus strand). Cytogenetic location: 19q13.33.
Variant type: single nucleotide variant.
Coding change: c.118C>G on transcript NM_002691.4 (MANE Select); coding-DNA position 118, C replaced by G.
Protein change: p.Leu40Val; replaces leucine 40 with valine.
Molecular consequence: missense variant. On other transcripts: non-coding transcript variant (1).
Genome position (GRCh38, 1-based): chr19:50,398,969, C>G. VCF-style: chr19-50398969-C-G. GRCh37 (hg19) VCF-style: chr19-50902226-C-G.
Other names: c.118C>G, p.Leu40Val (NM_001256849.1, NM_001308632.1); short protein forms L40V.
Identifiers: ClinVar variation 3308274 (VCV003308274.1).

ClinVar aggregate classification (germline): Uncertain significance (1 of 4 stars; one submission).

Conditions:
Hereditary cancer-predisposing syndrome. Also called: Tumor predisposition; Hereditary Cancer Syndrome; Hereditary neoplastic syndrome; Neoplastic Syndromes, Hereditary. Identifiers: Orphanet 140162, MedGen C0027672, MeSH D009386, MONDO:0015356.

gnomAD v4.1: 1 of 1,578,342 alleles (0.000063%); highest among the groups gnomAD compares: Non-Finnish European, 0.000086%; no homozygotes.

Submission:

Ambry Genetics
Classification: Uncertain significance for Hereditary cancer-predisposing syndrome. Last evaluated: 2024-03-28. Review status: criteria provided, single submitter. Criteria: Ambry Variant Classification Scheme 2023. Collection method: clinical testing. Allele origin: germline.
Comment: The p.L40V variant (also known as c.118C>G), located in coding exon 1 of the POLD1 gene, results from a C to G substitution at nucleotide position 118. The leucine at codon 40 is replaced by valine, an amino acid with highly similar properties. This amino acid position is conserved. In addition, this alteration is predicted to be tolerated by in silico analysis. Based on the available evidence, the clinical significance of this alteration remains unclear.